The following is an entry in ClinVar:

ClinVar aggregate classification (germline): Uncertain significance (1 of 4 stars; one submission).

Conditions:
Cardiovascular phenotype. Identifiers: MedGen CN230736.

Allele frequency attached by ClinVar (database versions not stated): TOPMed below 0.00001.

Submission:

Ambry Genetics
Classification: Uncertain significance for Cardiovascular phenotype. Last evaluated: 2023-03-27. Review status: criteria provided, single submitter. Criteria: Ambry Variant Classification Scheme 2023. Collection method: clinical testing. Allele origin: germline.
Comment: The p.R1549K variant (also known as c.4646G>A), located in coding exon 2 of the ZNF469 gene, results from a G to A substitution at nucleotide position 4646. The arginine at codon 1549 is replaced by lysine, an amino acid with highly similar properties. This amino acid position is conserved. In addition, this alteration is predicted to be tolerated by in silico analysis. Since supporting evidence is limited at this time, the clinical significance of this alteration remains unclear.

NM_001367624.2(ZNF469):c.4730G>A (p.Arg1577Lys)

Gene: ZNF469 (zinc finger protein 469; plus strand). Cytogenetic location: 16q24.2.
Variant type: single nucleotide variant.
Coding change: c.4730G>A on transcript NM_001367624.2 (MANE Select); coding-DNA position 4730, G replaced by A.
Protein change: p.Arg1577Lys; replaces arginine 1577 with lysine.
Molecular consequence: missense variant.
Genome position (GRCh38, 1-based): chr16:88,432,200, G>A. VCF-style: chr16-88432200-G-A. GRCh37 (hg19) VCF-style: chr16-88498608-G-A.
Other names: NM_001127464.1:c.4646G>A; short protein forms R1577K.
Identifiers: ClinVar variation 2561857 (VCV002561857.2), dbSNP rs1333282078, ClinGen allele CA397093198.
Genomic context (GRCh38, chr16:88,432,200, plus strand): 5'-TGTCCGAGGATGAACTGGAGATCCAGAAATTGGTCACCGAATTAGAAAGTCAGCTGCAAA[G>A]GAGCAAAGACACACGTGGGGCCCCGAGAGAGCTTGCAGAAGCTGAGTCGGTGGGCAGGGT-3'
Protein context (NP_001354553.1, residues 1567-1587): LVTELESQLQ[Arg1577Lys]SKDTRGAPRE